The following is an entry in ClinVar:

NM_032520.5(GNPTG):c.233+5G>A

Gene: GNPTG (N-acetylglucosamine-1-phosphate transferase subunit gamma; plus strand). Cytogenetic location: 16p13.3.
Variant type: single nucleotide variant.
Coding change: c.233+5G>A on transcript NM_032520.5 (MANE Select); 5 bases into the intron after coding-DNA position 233, G replaced by A.
Molecular consequence: intron variant.
Genome position (GRCh38, 1-based): chr16:1,361,802, G>A. VCF-style: chr16-1361802-G-A. GRCh37 (hg19) VCF-style: chr16-1411803-G-A.
Identifiers: ClinVar variation 397576 (VCV000397576.3), dbSNP rs1060499691, ClinGen allele CA16609435.

ClinVar aggregate classification (germline): Likely pathogenic (1 of 4 stars; one submission).

Conditions:
GNPTG-mucolipidosis. Also called: Mucolipidosis type III gamma; MUCOLIPIDOSIS III, COMPLEMENTATION GROUP C; MUCOLIPIDOSIS III, IRANIAN VARIANT FORM; MUCOLIPIDOSIS III, VARIANT FORM; ML III GAMMA; ML IIIC. Identifiers: Orphanet 423470, Orphanet 577, MedGen C1854896, MONDO:0009652, OMIM 252605.

Allele frequency attached by ClinVar (database versions not stated): gnomAD exomes below 0.00001.
gnomAD v4.1: 1 of 1,613,996 alleles (0.000062%); highest among the groups gnomAD compares: Non-Finnish European, 0.000085%; no homozygotes.

Submission:

Diagnostics Division, CENTRE FOR DNA FINGERPRINTING AND DIAGNOSTICS
Classification: Likely pathogenic for GNPTG-mucolipidosis. Last evaluated: 2016-01-01. Review status: criteria provided, single submitter. Criteria: ACMG Guidelines, 2015. Collection method: research. Allele origin: unknown. Affected: yes. Observed: 1 homozygote.
Comment: Splicing variant